The following is an entry in ClinVar:

ClinVar aggregate classification (germline): Uncertain significance. Review status: criteria provided, multiple submitters, no conflicts (2 of 4 stars). 2 submissions from 2 submitters: Uncertain significance (2). Last evaluated 2025-12-13.

Conditions:
Hereditary cancer-predisposing syndrome. Also called: Tumor predisposition; Hereditary Cancer Syndrome; Hereditary neoplastic syndrome; Neoplastic Syndromes, Hereditary. Identifiers: Orphanet 140162, MedGen C0027672, MeSH D009386, MONDO:0015356.
Gastrointestinal stromal tumor. Also called: Gastrointestinal stroma tumor; Gastrointestinal stromal tumor, somatic. Identifiers: Orphanet 44890, MedGen C0238198, MeSH D046152, MONDO:0011719, OMIM 606764, HP:0100723.

Allele frequency attached by ClinVar (database versions not stated): gnomAD exomes below 0.00001; ExAC 0.00001.

Submissions (2):

Labcorp Genetics (formerly Invitae), Labcorp
Classification: Uncertain significance for Gastrointestinal stromal tumor. Last evaluated: 2025-12-13. Review status: criteria provided, single submitter. Criteria: Invitae Variant Classification Sherloc (09022015). Collection method: clinical testing. Allele origin: germline.
Comment: This sequence change replaces alanine, which is neutral and non-polar, with serine, which is neutral and polar, at codon 698 of the KIT protein (p.Ala698Ser). This variant is present in population databases (rs756394678, gnomAD 0.006%). This variant has not been reported in the literature in individuals affected with KIT-related conditions. ClinVar contains an entry for this variant (Variation ID: 1399151). An algorithm developed to predict the effect of missense changes on protein structure and function (PolyPhen-2) suggests that this variant is likely to be tolerated. In summary, the available evidence is currently insufficient to determine the role of this variant in disease. Therefore, it has been classified as a Variant of Uncertain Significance.

Ambry Genetics
Classification: Uncertain significance for Hereditary cancer-predisposing syndrome. Last evaluated: 2024-03-18. Review status: criteria provided, single submitter. Criteria: Ambry Variant Classification Scheme 2023. Collection method: clinical testing. Allele origin: germline.
Comment: The p.A698S variant (also known as c.2092G>T), located in coding exon 14 of the KIT gene, results from a G to T substitution at nucleotide position 2092. The alanine at codon 698 is replaced by serine, an amino acid with similar properties. This amino acid position is conserved. In addition, this alteration is predicted to be tolerated by in silico analysis. Based on the available evidence, the clinical significance of this alteration remains unclear.

NM_000222.3(KIT):c.2092G>T (p.Ala698Ser)

Gene: KIT (KIT proto-oncogene, receptor tyrosine kinase; plus strand). Cytogenetic location: 4q12.
Variant type: single nucleotide variant.
Coding change: c.2092G>T on transcript NM_000222.3 (MANE Select); coding-DNA position 2092, G replaced by T.
Protein change: p.Ala698Ser; replaces alanine 698 with serine.
Molecular consequence: missense variant.
Genome position (GRCh38, 1-based): chr4:54,729,436, G>T. VCF-style: chr4-54729436-G-T. GRCh37 (hg19) VCF-style: chr4-55595602-G-T.
Other names: c.2080G>T, p.Ala694Ser (NM_001093772.2, NM_001385286.1); c.2095G>T, p.Ala699Ser (NM_001385284.1, NM_001385290.1); c.2092G>T, p.Ala698Ser (NM_001385285.1); c.2083G>T, p.Ala695Ser (NM_001385288.1, NM_001385292.1); c.2092G>T (NM_000222.2); short protein forms A698S, A694S, A699S, A695S.
Identifiers: ClinVar variation 1399151 (VCV001399151.17), dbSNP rs756394678, ClinGen allele CA2923643.